The following is an entry in ClinVar:

NM_000492.4(CFTR):c.948dup (p.Val317fs)

Gene: CFTR (CF transmembrane conductance regulator; plus strand). Cytogenetic location: 7q31.2.
Variant type: Duplication.
Coding change: c.948dup on transcript NM_000492.4 (MANE Select); coding-DNA position 948, one base duplicated (T; older notation c.948dupT).
Protein change: p.Val317fs; shifts the reading frame from valine 317.
Molecular consequence: frameshift variant.
Genome position (GRCh38, 1-based): chr7:117,540,178, T duplicated; the last of 3 consecutive T bases (chr7:117,540,176-117,540,178); duplicating any one gives the same sequence. VCF-style (leftmost placement, unchanged base first): chr7-117540175-C-CT. GRCh37 (hg19) VCF-style: chr7-117180229-C-CT.
Other names: short protein forms V317fs.
Identifiers: ClinVar variation 2096185 (VCV002096185.4), dbSNP rs75528968, ClinGen allele CA164953544.

ClinVar aggregate classification (germline): Pathogenic (1 of 4 stars; one submission).

Conditions:
Cystic fibrosis (CF). Also called: MUCOVISCIDOSIS. Identifiers: Orphanet 586, MedGen C0010674, MONDO:0009061, OMIM 219700. Disease mechanism: loss of function.

Submission:

Labcorp Genetics (formerly Invitae), Labcorp
Classification: Pathogenic for Cystic fibrosis. Last evaluated: 2022-02-10. Review status: criteria provided, single submitter. Criteria: Invitae Variant Classification Sherloc (09022015). Collection method: clinical testing. Allele origin: germline.
Comment: For these reasons, this variant has been classified as Pathogenic. This variant has not been reported in the literature in individuals affected with CFTR-related conditions. This variant is not present in population databases (gnomAD no frequency). This sequence change creates a premature translational stop signal (p.Val317Cysfs*47) in the CFTR gene. It is expected to result in an absent or disrupted protein product. Loss-of-function variants in CFTR are known to be pathogenic (PMID: 1695717, 7691345, 9725922).

Literature cited by the submitters: PubMed 1695717; PubMed 7691345; PubMed 9725922.